The following is an entry in ClinVar:

ClinVar aggregate classification (germline): Uncertain significance. Review status: criteria provided, multiple submitters, no conflicts (2 of 4 stars). 2 submissions from 2 submitters: Uncertain significance (2). Last evaluated 2025-03-20.

Conditions:
Hereditary nonpolyposis colorectal neoplasms. Identifiers: MedGen C0009405, MeSH D003123.

Submissions (2):

GeneDx
Classification: Uncertain significance. Last evaluated: 2025-03-20. Review status: criteria provided, single submitter. Criteria: GeneDx Variant Classification Process June 2021. Collection method: clinical testing. Allele origin: germline. Affected: yes.
Comment: Not observed at significant frequency in large population cohorts (gnomAD); In silico analysis indicates that this missense variant does not alter protein structure/function; Has not been previously published as pathogenic or benign to our knowledge

Labcorp Genetics (formerly Invitae), Labcorp
Classification: Uncertain significance for Hereditary nonpolyposis colorectal neoplasms. Last evaluated: 2024-09-16. Review status: criteria provided, single submitter. Criteria: Invitae Variant Classification Sherloc (09022015). Collection method: clinical testing. Allele origin: germline.
Comment: This sequence change replaces lysine, which is basic and polar, with glutamine, which is neutral and polar, at codon 438 of the PMS2 protein (p.Lys438Gln). This variant is not present in population databases (gnomAD no frequency). This variant has not been reported in the literature in individuals affected with PMS2-related conditions. ClinVar contains an entry for this variant (Variation ID: 237883). Invitae Evidence Modeling incorporating data from in vitro experimental studies (internal data) indicates that this missense variant is not expected to disrupt PMS2 function with a negative predictive value of 95%. In summary, the available evidence is currently insufficient to determine the role of this variant in disease. Therefore, it has been classified as a Variant of Uncertain Significance.

NM_000535.7(PMS2):c.1312A>C (p.Lys438Gln)

Gene: PMS2 (PMS1 homolog 2, mismatch repair system component; minus strand). Cytogenetic location: 7p22.1.
Variant type: single nucleotide variant.
Coding change: c.1312A>C on transcript NM_000535.7 (MANE Select); coding-DNA position 1312, A replaced by C.
Protein change: p.Lys438Gln; replaces lysine 438 with glutamine.
Molecular consequence: missense variant. On other transcripts: non-coding transcript variant (1).
Genome position (GRCh38, 1-based): chr7:5,987,453, T>G on the plus strand (A>C on the coding strand, the complement: PMS2 is on the minus strand). VCF-style: chr7-5987453-T-G. GRCh37 (hg19) VCF-style: chr7-6027084-T-G.
Other names: c.907A>C, p.Lys303Gln (NM_001322003.2, NM_001322004.2, NM_001322005.2 and 1 more transcripts); c.1156A>C, p.Lys386Gln (NM_001322006.2); c.994A>C, p.Lys332Gln (NM_001322007.2, NM_001322008.2); c.751A>C, p.Lys251Gln (NM_001322010.2); c.379A>C, p.Lys127Gln (NM_001322011.2, NM_001322012.2); c.739A>C, p.Lys247Gln (NM_001322013.2); c.1312A>C, p.Lys438Gln (NM_001322014.2); c.1003A>C, p.Lys335Gln (NM_001322015.2); short protein forms K438Q, K127Q, K247Q, K303Q, K332Q, K251Q, K335Q, K386Q.
Identifiers: ClinVar variation 237883 (VCV000237883.10), dbSNP rs878854033, ClinGen allele CA10582512.